The following is an entry in ClinVar:

NM_001048174.2(MUTYH):c.889G>T (p.Gly297Cys)

Gene: MUTYH (mutY DNA glycosylase; minus strand). Cytogenetic location: 1p34.1.
Variant type: single nucleotide variant.
Coding change: c.889G>T on transcript NM_001048174.2 (MANE Select); coding-DNA position 889, G replaced by T.
Protein change: p.Gly297Cys; replaces glycine 297 with cysteine.
Molecular consequence: missense variant. On other transcripts: non-coding transcript variant (7).
Genome position (GRCh38, 1-based): chr1:45,332,047, C>A on the plus strand (G>T on the coding strand, the complement: MUTYH is on the minus strand). VCF-style: chr1-45332047-C-A. GRCh37 (hg19) VCF-style: chr1-45797719-C-A.
Other names: c.934G>T, p.Gly312Cys (NM_001293190.2); c.922G>T, p.Gly308Cys (NM_001293191.2, NM_001407069.1, NM_001407077.1); c.613G>T, p.Gly205Cys (NM_001293192.2, NM_001293196.2, NM_001407091.1); c.889G>T, p.Gly297Cys (NM_001293195.2, NM_001407070.1, NM_001407088.1 and 6 more transcripts); c.544G>T, p.Gly182Cys (NM_001350650.2, NM_001350651.2, NM_001407082.1); c.931G>T, p.Gly311Cys (NM_001407083.1, NM_001407085.1); c.892G>T, p.Gly298Cys (NM_001407086.1, NM_001048172.2, NM_001407071.1 and 1 more transcripts); c.910G>T, p.Gly304Cys (NM_001407087.1); and 5 more; short protein forms G298C, G312C, G269C, G284C, G297C, G304C, G311C, G283C.
Identifiers: ClinVar variation 4113972 (VCV004113972.1).

ClinVar aggregate classification (germline): Uncertain significance (1 of 4 stars; one submission).

Conditions:
Hereditary cancer-predisposing syndrome. Also called: Hereditary neoplastic syndrome; Neoplastic Syndromes, Hereditary; Tumor predisposition; Hereditary Cancer Syndrome. Identifiers: Orphanet 140162, MedGen C0027672, MeSH D009386, MONDO:0015356.

Submission:

Ambry Genetics
Classification: Uncertain significance for Hereditary cancer-predisposing syndrome. Last evaluated: 2025-08-27. Review status: criteria provided, single submitter. Criteria: Ambry Variant Classification Scheme 2023. Collection method: clinical testing. Allele origin: germline.
Comment: The p.G325C variant (also known as c.973G>T), located in coding exon 11 of the MUTYH gene, results from a G to T substitution at nucleotide position 973. The glycine at codon 325 is replaced by cysteine, an amino acid with highly dissimilar properties. This amino acid position is conserved. In addition, this alteration is predicted to be tolerated by in silico analysis. Based on the available evidence, the clinical significance of this variant remains unclear.